The following is an entry in ClinVar:

ClinVar aggregate classification (germline): Uncertain significance. Review status: criteria provided, multiple submitters, no conflicts (2 of 4 stars). 2 submissions from 2 submitters: Uncertain significance (2). Last evaluated 2023-03-17.

Conditions:
Inborn genetic diseases. Identifiers: MedGen C0950123, MeSH D030342.

Allele frequency attached by ClinVar (database versions not stated): gnomAD exomes below 0.00001; ExAC 0.00001.
gnomAD v4.1: 6 of 1,614,152 alleles (0.00037%); highest among the groups gnomAD compares: South Asian, 0.0022%; no homozygotes.

Submissions (2):

GeneDx
Classification: Uncertain significance. Last evaluated: 2023-03-17. Review status: criteria provided, single submitter. Criteria: GeneDx Variant Classification Process June 2021. Collection method: clinical testing. Allele origin: germline. Affected: yes.
Comment: In silico analysis supports that this missense variant has a deleterious effect on protein structure/function; In silico analysis is inconclusive as to whether the variant alters gene splicing. In the absence of RNA/functional studies, the actual effect of this sequence change is unknown.; Has not been previously published as pathogenic or benign to our knowledge

Ambry Genetics
Classification: Uncertain significance for Inborn genetic diseases. Last evaluated: 2021-06-03. Review status: criteria provided, single submitter. Criteria: Ambry Variant Classification Scheme 2023. Collection method: clinical testing. Allele origin: germline.

NM_015570.4(AUTS2):c.2119C>T (p.Arg707Trp)

Gene: AUTS2 (activator of transcription and developmental regulator AUTS2; plus strand). Cytogenetic location: 7q11.22.
Variant type: single nucleotide variant.
Coding change: c.2119C>T on transcript NM_015570.4 (MANE Select); coding-DNA position 2119, C replaced by T.
Protein change: p.Arg707Trp; replaces arginine 707 with tryptophan.
Molecular consequence: missense variant.
Genome position (GRCh38, 1-based): chr7:70,781,729, C>T. VCF-style: chr7-70781729-C-T. GRCh37 (hg19) VCF-style: chr7-70246715-C-T.
Other names: c.2047C>T, p.Arg683Trp (NM_001127231.3); short protein forms R707W, R683W.
Identifiers: ClinVar variation 2230783 (VCV002230783.3), dbSNP rs748925591, ClinGen allele CA4280912.